The following is an entry in ClinVar:

ClinVar aggregate classification (germline): Likely benign (0 of 4 stars; one submission).

Conditions:
MYO9A-related disorder. Also called: MYO9A-related condition.

Allele frequency attached by ClinVar (database versions not stated): TOPMed 0.00003; ExAC 0.00004; gnomAD 0.00006; gnomAD exomes 0.00007; ESP Exome Variant Server 0.00008.
gnomAD v4.1: 113 of 1,614,016 alleles (0.007%); highest among the groups gnomAD compares: Middle Eastern, 0.016%; no homozygotes.

Submission:

PreventionGenetics, part of Exact Sciences
Classification: Likely benign for MYO9A-related condition. Last evaluated: 2019-02-26. Review status: no assertion criteria provided. Collection method: clinical testing. Allele origin: germline.
Comment: This variant is classified as likely benign based on ACMG/AMP sequence variant interpretation guidelines (Richards et al. 2015 PMID: 25741868, with internal and published modifications).

NM_006901.4(MYO9A):c.570G>A (p.Lys190=)

Gene: MYO9A (myosin IXA; minus strand). Cytogenetic location: 15q23.
Variant type: single nucleotide variant.
Coding change: c.570G>A on transcript NM_006901.4 (MANE Select); coding-DNA position 570, G replaced by A.
Protein change: p.Lys190=; no amino-acid change (lysine 190 retained).
Molecular consequence: synonymous variant.
Genome position (GRCh38, 1-based): chr15:72,045,994, C>T on the plus strand (G>A on the coding strand, the complement: MYO9A is on the minus strand). VCF-style: chr15-72045994-C-T. GRCh37 (hg19) VCF-style: chr15-72338335-C-T.
Identifiers: ClinVar variation 3057786 (VCV003057786.2), dbSNP rs377015943, ClinGen allele CA7642431.